The following is an entry in ClinVar:

NM_003737.4(DCHS1):c.4374C>A (p.Phe1458Leu)

Gene: DCHS1 (dachsous cadherin-related 1; minus strand). Cytogenetic location: 11p15.4.
Variant type: single nucleotide variant.
Coding change: c.4374C>A on transcript NM_003737.4 (MANE Select); coding-DNA position 4374, C replaced by A.
Protein change: p.Phe1458Leu; replaces phenylalanine 1458 with leucine.
Molecular consequence: missense variant.
Genome position (GRCh38, 1-based): chr11:6,630,420, G>T on the plus strand (C>A on the coding strand, the complement: DCHS1 is on the minus strand). VCF-style: chr11-6630420-G-T. GRCh37 (hg19) VCF-style: chr11-6651651-G-T.
Other names: c.4374C>A (NM_003737.2); short protein forms F1458L.
Identifiers: ClinVar variation 2799206 (VCV002799206.4), dbSNP rs1245684360, ClinGen allele CA379405560.

ClinVar aggregate classification (germline): Uncertain significance. Review status: criteria provided, multiple submitters, no conflicts (2 of 4 stars). 2 submissions from 2 submitters: Uncertain significance (2). Last evaluated 2024-12-23.

Conditions:
Inborn genetic diseases. Identifiers: MedGen C0950123, MeSH D030342.

Allele frequency attached by ClinVar (database versions not stated): TOPMed below 0.00001; gnomAD 0.00001.
gnomAD v4.1: 4 of 1,454,178 alleles (0.00028%); highest among the groups gnomAD compares: Non-Finnish European, 0.00036%; no homozygotes.

Submissions (2):

Labcorp Genetics (formerly Invitae), Labcorp
Classification: Uncertain significance. Last evaluated: 2024-12-23. Review status: criteria provided, single submitter. Criteria: Invitae Variant Classification Sherloc (09022015). Collection method: clinical testing. Allele origin: germline.
Comment: This sequence change replaces phenylalanine, which is neutral and non-polar, with leucine, which is neutral and non-polar, at codon 1458 of the DCHS1 protein (p.Phe1458Leu). This variant is not present in population databases (gnomAD no frequency). This variant has not been reported in the literature in individuals affected with DCHS1-related conditions. ClinVar contains an entry for this variant (Variation ID: 2799206). Invitae Evidence Modeling of protein sequence and biophysical properties (such as structural, functional, and spatial information, amino acid conservation, physicochemical variation, residue mobility, and thermodynamic stability) indicates that this missense variant is not expected to disrupt DCHS1 protein function with a negative predictive value of 80%. In summary, the available evidence is currently insufficient to determine the role of this variant in disease. Therefore, it has been classified as a Variant of Uncertain Significance.

Ambry Genetics
Classification: Uncertain significance for Inborn genetic diseases. Last evaluated: 2024-11-26. Review status: criteria provided, single submitter. Criteria: Ambry Variant Classification Scheme 2023. Collection method: clinical testing. Allele origin: germline.